The following is an entry in ClinVar:

NM_001351169.2(NT5C2):c.1259A>G (p.Gln420Arg)

Gene: NT5C2 (5'-nucleotidase, cytosolic II; minus strand). Cytogenetic location: 10q24.32.
Variant type: single nucleotide variant.
Coding change: c.1259A>G on transcript NM_001351169.2 (MANE Select); coding-DNA position 1259, A replaced by G.
Protein change: p.Gln420Arg; replaces glutamine 420 with arginine.
Molecular consequence: missense variant.
Genome position (GRCh38, 1-based): chr10:103,090,949, T>C on the plus strand (A>G on the coding strand, the complement: NT5C2 is on the minus strand). VCF-style: chr10-103090949-T-C. GRCh37 (hg19) VCF-style: chr10-104850706-T-C.
Other names: c.1259A>G, p.Gln420Arg (NM_001134373.3, NM_012229.5); c.1283A>G, p.Gln428Arg (NM_001351170.2, NM_001351171.2, NM_001351172.2 and 1 more transcripts); c.1172A>G, p.Gln391Arg (NM_001351174.1); c.1166A>G, p.Gln389Arg (NM_001351175.2); c.686A>G, p.Gln229Arg (NM_001351176.2, NM_001351177.2, NM_001351188.2 and 16 more transcripts); c.545A>G, p.Gln182Arg (NM_001351194.2, NM_001351195.2, NM_001351196.2); short protein forms Q182R, Q389R, Q428R, Q229R, Q391R, Q420R.
Identifiers: ClinVar variation 856351 (VCV000856351.9), dbSNP rs1294333255, ClinGen allele CA377969323.

ClinVar aggregate classification (germline): Uncertain significance (1 of 4 stars; one submission).

Conditions:
Hereditary spastic paraplegia 45. Also called: Spastic paraplegia 45, autosomal recessive; SPASTIC PARAPLEGIA 45. Identifiers: Orphanet 320396, MedGen C3888209, MONDO:0013165, OMIM 613162.

Allele frequency attached by ClinVar (database versions not stated): gnomAD exomes below 0.00001; TOPMed 0.00001.
gnomAD v4.1: 6 of 1,614,002 alleles (0.00037%); highest among the groups gnomAD compares: Non-Finnish European, 0.00042%; no homozygotes.

Submission:

Labcorp Genetics (formerly Invitae), Labcorp
Classification: Uncertain significance for Hereditary spastic paraplegia 45. Last evaluated: 2019-12-03. Review status: criteria provided, single submitter. Criteria: Invitae Variant Classification Sherloc (09022015). Collection method: clinical testing. Allele origin: germline.
Comment: Algorithms developed to predict the effect of missense changes on protein structure and function (SIFT, PolyPhen-2, Align-GVGD) all suggest that this variant is likely to be tolerated, but these predictions have not been confirmed by published functional studies and their clinical significance is uncertain. In summary, the available evidence is currently insufficient to determine the role of this variant in disease. Therefore, it has been classified as a Variant of Uncertain Significance. This variant has not been reported in the literature in individuals with NT5C2-related disease. This variant is not present in population databases (ExAC no frequency). This sequence change replaces glutamine with arginine at codon 420 of the NT5C2 protein (p.Gln420Arg). The glutamine residue is highly conserved and there is a small physicochemical difference between glutamine and arginine.